The following is an entry in ClinVar:

NM_000551.4(VHL):c.452T>C (p.Ile151Thr)

Genes: VHL (von Hippel-Lindau tumor suppressor; plus strand), LOC107303340 (3p25 von Hippel-Lindau tumor suppressor, E3 ubiquitin protein ligase Alu-mediated recombination region; plus strand). Cytogenetic location: 3p25.3.
Variant type: single nucleotide variant.
Coding change: c.452T>C on transcript NM_000551.4 (MANE Select); coding-DNA position 452, T replaced by C.
Protein change: p.Ile151Thr; replaces isoleucine 151 with threonine.
Molecular consequence: missense variant. On other transcripts: intron variant (2).
Genome position (GRCh38, 1-based): chr3:10,146,625, T>C. VCF-style: chr3-10146625-T-C. GRCh37 (hg19) VCF-style: chr3-10188309-T-C.
Other names: c.*18-3162T>C (NM_001354723.2); c.341-3162T>C (NM_198156.3); short protein forms I151T.
Identifiers: ClinVar variation 428803 (VCV000428803.18), dbSNP rs869025655, ClinGen allele CA351754359.

ClinVar aggregate classification (germline): Pathogenic. Review status: criteria provided, multiple submitters, no conflicts (2 of 4 stars). 4 submissions from 4 submitters: Pathogenic (4). Last evaluated 2021-12-20.

Conditions:
Von Hippel-Lindau syndrome (VHLS). Also called: von Hippel–Lindau syndrome; Von Hippel-Lindau; VHL syndrome. Identifiers: Orphanet 892, MedGen C0019562, MONDO:0008667, OMIM 193300. Disease mechanism: loss of function.
Chuvash polycythemia. Also called: POLYCYTHEMIA, VHL-DEPENDENT. Identifiers: Orphanet 238557, MedGen C1837915, MONDO:0009892, OMIM 263400.
Hereditary cancer-predisposing syndrome. Also called: Hereditary neoplastic syndrome; Tumor predisposition; Neoplastic Syndromes, Hereditary; Hereditary Cancer Syndrome. Identifiers: Orphanet 140162, MedGen C0027672, MeSH D009386, MONDO:0015356.

Submissions (4):

Centre of Medical Genetics, University Hospital Muenster
Classification: Pathogenic. Last evaluated: 2021-12-20. Review status: criteria provided, single submitter. Criteria: ACMG Guidelines, 2015. Collection method: clinical testing. Allele origin: unknown. Affected: yes. Observed: 1 variant allele, 1 heterozygote.
Comment: ACMG categories: PS1,PM2,PM7,PP3,PP4,PP5

Labcorp Genetics (formerly Invitae), Labcorp
Classification: Pathogenic for Von Hippel-Lindau syndrome; Chuvash polycythemia. Last evaluated: 2020-02-27. Review status: criteria provided, single submitter. Criteria: Invitae Variant Classification Sherloc (09022015). Collection method: clinical testing. Allele origin: germline.
Comment: This variant is not present in population databases (ExAC no frequency). This sequence change replaces isoleucine with threonine at codon 151 of the VHL protein (p.Ile151Thr). The isoleucine residue is highly conserved and there is a moderate physicochemical difference between isoleucine and threonine. This variant has been reported in numerous individuals affected with von Hippel-Lindau (VHL) syndrome (PMID: 10567493, 28469506, 17661816, 17024664, 11309459). This variant is also known as 665T>C in the literature. ClinVar contains an entry for this variant (Variation ID: 428803). Algorithms developed to predict the effect of missense changes on protein structure and function (SIFT, PolyPhen-2, Align-GVGD) all suggest that this variant is likely to be disruptive, but these predictions have not been confirmed by published functional studies and their clinical significance is uncertain. Different missense substitutions at this codon (p.Ile151Ser and p.Ile151Phe) have been reported in several individuals affected with VHL syndrome (PMID: 22357542, 25078357). For these reasons, this variant has been classified as Pathogenic.

Ambry Genetics
Classification: Pathogenic for Hereditary cancer-predisposing syndrome. Last evaluated: 2019-07-17. Review status: criteria provided, single submitter. Criteria: Ambry Variant Classification Scheme 2023. Collection method: clinical testing. Allele origin: germline.
Comment: The p.I151T pathogenic mutation (also known as c.452T>C), located in coding exon 2 of the VHL gene, results from a T to C substitution at nucleotide position 452. The isoleucine at codon 151 is replaced by threonine, an amino acid with similar properties. The p.I151T alteration, also referred to as 665T>C in some literature, has been reported in individuals with a diagnosis or clinical features of VHL (Gl&auml;sker S et al. J. Neurol. Neurosurg. Psychiatr. 1999 Dec;67:758-62; Gl&auml;sker S et al. J. Neurol. Neurosurg. Psychiatry. 2001 May;70:644-8; Hes FJ et al. Clin. Genet. 2007 Aug;72:122-9; Ong KR et al. Hum. Mutat. 2007 Feb;28:143-9; Sriphrapradang C et al. Clin Med Insights Endocrinol Diabetes. 2017 Apr;10:1179551417705122; Krauss T et al. Endocr. Relat. Cancer. 2018 09;25:783-793; Ambry internal data). Based on internal structural analysis, this variant is more disruptive than known pathogenic variants (Testa A et al. J. Am. Chem. Soc., 2018 07;140:9299-9313). This amino acid position is highly conserved in available vertebrate species. In addition, this alteration is predicted to be deleterious by in silico analysis. As such, this alteration is interpreted as a disease-causing mutation.

Women's Health and Genetics/Laboratory Corporation of America, LabCorp
Classification: Pathogenic for Von Hippel-Lindau syndrome. Last evaluated: 2019-02-26. Review status: criteria provided, single submitter. Criteria: LabCorp Variant Classification Summary - May 2015. Collection method: clinical testing. Allele origin: germline.
Comment: Variant summary: The variant, VHL c.452T>C (p.Ile151Thr, also known as c.655T>C, p.Ile222Thr) results in a non-conservative amino acid change located in the von Hippel-Lindau disease tumour suppressor, alpha domain and von Hippel-Lindau disease tumour suppressor, beta/alpha domain of the encoded protein sequence. Five of five in-silico tools predict a damaging effect of the variant on protein function. The variant was absent in 246370 control chromosomes (gnomAD) and has been reported in the literature in multiple individuals affected with Von Hippel-Lindau Syndrome (Hes_2007, Ong_2007, Sriphrapradang_2017, Krauss_2018). These data indicate that the variant is very likely to be associated with disease. At least one publication reports experimental evidence assessing the variant effect on the downstream signaling mechanism of VHL but does not allow convincing conclusions about the variant effect (Walmsley_2006). Two clinical diagnostic laboratories have submitted clinical-significance assessments for this variant to ClinVar after 2014 without evidence for independent evaluation and classified the variant as pathogenic/likely pathogenic. Based on the evidence outlined above, the variant was classified as pathogenic.

Literature cited by the submitters: PubMed 10567493 (cited by 3 submitters); PubMed 28469506 (cited by 3 submitters); PubMed 17661816 (cited by 3 submitters); PubMed 17024664 (cited by 3 submitters); PubMed 11309459 (cited by Labcorp Genetics (formerly Invitae), Labcorp and Ambry Genetics); PubMed 22357542 (cited by Labcorp Genetics (formerly Invitae), Labcorp); PubMed 25078357 (cited by Labcorp Genetics (formerly Invitae), Labcorp); PubMed 16809612 (cited by Ambry Genetics and Women's Health and Genetics/Laboratory Corporation of America, LabCorp); PubMed 29748190 (cited by Ambry Genetics and Women's Health and Genetics/Laboratory Corporation of America, LabCorp); PubMed 29949369 (cited by Ambry Genetics); PubMed 18676741 (cited by Women's Health and Genetics/Laboratory Corporation of America, LabCorp); PubMed 19408298 (cited by Women's Health and Genetics/Laboratory Corporation of America, LabCorp); PubMed 20151405 (cited by Women's Health and Genetics/Laboratory Corporation of America, LabCorp); PubMed 21715564 (cited by Women's Health and Genetics/Laboratory Corporation of America, LabCorp); PubMed 20054297 (cited by Women's Health and Genetics/Laboratory Corporation of America, LabCorp).